The following is an entry in ClinVar:

ClinVar aggregate classification (germline): Uncertain significance (1 of 4 stars; one submission).

Conditions:
Epileptic encephalopathy. Identifiers: MedGen C0543888, HP:0200134.

Allele frequency attached by ClinVar (database versions not stated): ExAC 0.00002; gnomAD exomes 0.00003; TOPMed 0.00005; gnomAD 0.00006.
gnomAD v4.1: 50 of 1,613,892 alleles (0.0031%); highest among the groups gnomAD compares: Non-Finnish European, 0.0042%; no homozygotes.

Submission:

Labcorp Genetics (formerly Invitae), Labcorp
Classification: Uncertain significance for Epileptic encephalopathy. Last evaluated: 2022-03-19. Review status: criteria provided, single submitter. Criteria: Invitae Variant Classification Sherloc (09022015). Collection method: clinical testing. Allele origin: germline.
Comment: This sequence change replaces glutamic acid, which is acidic and polar, with lysine, which is basic and polar, at codon 3985 of the RYR3 protein (p.Glu3985Lys). This variant is present in population databases (rs760780316, gnomAD 0.008%). This variant has not been reported in the literature in individuals affected with RYR3-related conditions. ClinVar contains an entry for this variant (Variation ID: 649376). Algorithms developed to predict the effect of missense changes on protein structure and function are either unavailable or do not agree on the potential impact of this missense change (SIFT: "Deleterious"; PolyPhen-2: "Possibly Damaging"; Align-GVGD: "Class C0"). In summary, the available evidence is currently insufficient to determine the role of this variant in disease. Therefore, it has been classified as a Variant of Uncertain Significance.

NM_001036.6(RYR3):c.11953G>A (p.Glu3985Lys)

Gene: RYR3 (ryanodine receptor 3; plus strand). Cytogenetic location: 15q14.
Variant type: single nucleotide variant.
Coding change: c.11953G>A on transcript NM_001036.6 (MANE Select); coding-DNA position 11953, G replaced by A.
Protein change: p.Glu3985Lys; replaces glutamic acid 3985 with lysine.
Molecular consequence: missense variant.
Genome position (GRCh38, 1-based): chr15:33,837,933, G>A. VCF-style: chr15-33837933-G-A. GRCh37 (hg19) VCF-style: chr15-34130134-G-A.
Other names: c.11938G>A, p.Glu3980Lys (NM_001243996.4); short protein forms E3985K, E3980K.
Identifiers: ClinVar variation 649376 (VCV000649376.8), dbSNP rs760780316, ClinGen allele CA7461331.
Genomic context (GRCh38, chr15:33,837,933, plus strand): 5'-TGTGCAGAAGCTGATGAGAATGACATGTTTAATTACGTTGATTTTGTAGACCGGTTCCAT[G>A]AGCCAGCCAAGGACATAGGGTTTAATGTGGCTGTGTTATTGACAAATCTTTCTGAACACA-3'
Protein context (NP_001027.3, residues 3975-3995): NYVDFVDRFH[Glu3985Lys]PAKDIGFNVA